The following is an entry in ClinVar:

ClinVar aggregate classification (germline): Uncertain significance (1 of 4 stars; one submission).

Conditions:
Familial acute necrotizing encephalopathy (IIAE3). Also called: ENCEPHALOPATHY, ACUTE, INFECTION-INDUCED, SUSCEPTIBILITY TO, 3; Susceptibility to Acute Necrotizing Encephalopathy 1. Identifiers: Orphanet 88619, MedGen C2675556, MONDO:0011953, OMIM 608033.

Submission:

Labcorp Genetics (formerly Invitae), Labcorp
Classification: Uncertain significance for Familial acute necrotizing encephalopathy. Last evaluated: 2022-08-09. Review status: criteria provided, single submitter. Criteria: Invitae Variant Classification Sherloc (09022015). Collection method: clinical testing. Allele origin: germline.
Comment: A copy number gain of the genomic region encompassing the full coding sequence of the RANBP2 gene has been identified. The boundaries of this event are unknown as they extend beyond the assayed region for this gene and therefore may encompass additional genes. As the precise location of this event is unknown, it may be in tandem or it may be located elsewhere in the genome. This variant has not been reported in the literature in individuals affected with RANBP2-related conditions. In summary, the available evidence is currently insufficient to determine the role of this variant in disease. Therefore, it has been classified as a Variant of Uncertain Significance.

NC_000002.11:g.(?_108604612)_(109579739_?)dup

Genes: CCDC138 (coiled-coil domain containing 138; plus strand), EDAR (ectodysplasin A receptor; minus strand), GCC2 (GRIP and coiled-coil domain containing 2; plus strand), LIMS1 (LIM zinc finger domain containing 1; plus strand), RANBP2 (RAN binding protein 2; plus strand) and 4 more. Cytogenetic location: 2q12.3.
Variant type: Duplication.
Identifiers: ClinVar variation 2425552 (VCV002425552.4).